The following is an entry in ClinVar:

NM_018406.7(MUC4):c.11527G>A (p.Val3843Ile)

Gene: MUC4 (mucin 4, cell surface associated). Cytogenetic location: 3q29.
Variant type: single nucleotide variant.
Coding change: c.11527G>A on transcript NM_018406.7 (MANE Select); coding-DNA position 11527, G replaced by A.
Protein change: p.Val3843Ile; replaces valine 3843 with isoleucine.
Molecular consequence: missense variant. On other transcripts: genic upstream transcript variant (2).
Genome position (GRCh38, 1-based): chr3:195,780,053, C>T on the plus strand (G>A on the coding strand, the complement: MUC4 is on the minus strand). VCF-style: chr3-195780053-C-T. GRCh37 (hg19) VCF-style: chr3-195506924-C-T.
Other names: c.83-5748G>A (NM_138297.5); c.83-1598G>A (NM_004532.6); c.16585G>A, p.Val5529Ile (NM_001322468.1); short protein forms V3843I, V5529I.
Identifiers: ClinVar variation 2654404 (VCV002654404.24), dbSNP rs190624598, ClinGen allele CA2769409.

ClinVar aggregate classification (germline): Likely benign (1 of 4 stars; one submission).

Allele frequency attached by ClinVar (database versions not stated): 1000 Genomes Project 0.00479; ExAC 0.00712; gnomAD 0.00744.
gnomAD v4.1: 11,202 of 760,324 alleles (1.5%); highest among the groups gnomAD compares: Non-Finnish European, 1.7%; 3,219 homozygotes.

Submission:

CeGaT Center for Human Genetics Tuebingen
Classification: Likely benign. Last evaluated: 2022-11-01. Review status: criteria provided, single submitter. Criteria: CeGaT Center For Human Genetics Tuebingen Variant Classification Criteria Version 2. Collection method: clinical testing. Allele origin: germline. Affected: yes. Observed: 1 variant allele.
Comment: MUC4: BS2